The following is an entry in ClinVar:

ClinVar aggregate classification (germline): Uncertain significance (0 of 4 stars; one submission).

Conditions:
ADRA2A-related disorder. Also called: ADRA2A-related condition.

Allele frequency attached by ClinVar (database versions not stated): gnomAD 0.00001; ExAC 0.00002; gnomAD exomes 0.00002.
gnomAD v4.1: 12 of 1,613,836 alleles (0.00074%); highest among the groups gnomAD compares: Admixed American, 0.015%; no homozygotes.

Submission:

PreventionGenetics, part of Exact Sciences
Classification: Uncertain significance for ADRA2A-related condition. Last evaluated: 2023-12-19. Review status: no assertion criteria provided. Collection method: clinical testing. Allele origin: germline.
Comment: The ADRA2A c.298C>T variant is predicted to result in the amino acid substitution p.Leu100Phe. To our knowledge, this variant has not been reported in the literature. This variant is reported in 0.017% of alleles in individuals of Latino descent in gnomAD. At this time, the clinical significance of this variant is uncertain due to the absence of conclusive functional and genetic evidence.

NM_000681.4(ADRA2A):c.298C>T (p.Leu100Phe)

Gene: ADRA2A (adrenoceptor alpha 2A; plus strand). Cytogenetic location: 10q25.2.
Variant type: single nucleotide variant.
Coding change: c.298C>T on transcript NM_000681.4 (MANE Select); coding-DNA position 298, C replaced by T.
Protein change: p.Leu100Phe; replaces leucine 100 with phenylalanine.
Molecular consequence: missense variant.
Genome position (GRCh38, 1-based): chr10:111,078,294, C>T. VCF-style: chr10-111078294-C-T. GRCh37 (hg19) VCF-style: chr10-112838052-C-T.
Other names: short protein forms L100F.
Identifiers: ClinVar variation 3036098 (VCV003036098.2), dbSNP rs768064852, ClinGen allele CA5689910.
Genomic context (GRCh38, chr10:111,078,294, plus strand): 5'-AAGGCGCCCCAAAACCTCTTCCTGGTGTCTCTGGCCTCGGCCGACATCCTGGTGGCCACG[C>T]TCGTCATCCCTTTCTCGCTGGCCAACGAGGTCATGGGCTACTGGTACTTCGGCAAGGCTT-3'
Protein context (NP_000672.3, residues 90-110): LASADILVAT[Leu100Phe]VIPFSLANEV